The following is an entry in ClinVar:

NM_182746.3(MCM4):c.2120G>T (p.Ser707Ile)

Gene: MCM4 (minichromosome maintenance complex component 4; plus strand). Cytogenetic location: 8q11.21.
Variant type: single nucleotide variant.
Coding change: c.2120G>T on transcript NM_182746.3 (MANE Select); coding-DNA position 2120, G replaced by T.
Protein change: p.Ser707Ile; replaces serine 707 with isoleucine.
Molecular consequence: missense variant.
Genome position (GRCh38, 1-based): chr8:47,973,048, G>T. VCF-style: chr8-47973048-G-T. GRCh37 (hg19) VCF-style: chr8-48885608-G-T.
Other names: c.2120G>T, p.Ser707Ile (NM_005914.4); short protein forms S707I.
Identifiers: ClinVar variation 1010007 (VCV001010007.8), dbSNP rs753099559, ClinGen allele CA4742806.
Genomic context (GRCh38, chr8:47,973,048, plus strand): 5'-TAAAGGACTACATTGCCTACGCGCACAGCACCATCATGCCGCGGCTAAGTGAGGAAGCCA[G>T]CCAGGCTCTCATCGAGGTAACCCTGCTGAAAAAAGGCTTACTGTGCCTGTAGCCCACAGC-3'
Protein context (NP_877423.1, residues 697-717): TIMPRLSEEA[Ser707Ile]QALIEAYVDM

ClinVar aggregate classification (germline): Uncertain significance (1 of 4 stars; one submission).

Allele frequency attached by ClinVar (database versions not stated): gnomAD below 0.00001 and 0.00001; gnomAD exomes below 0.00001 and 0.00001; ExAC 0.00002.
gnomAD v4.1: 9 of 1,613,450 alleles (0.00056%); highest among the groups gnomAD compares: South Asian, 0.0044%; no homozygotes.

Submission:

Labcorp Genetics (formerly Invitae), Labcorp
Classification: Uncertain significance. Last evaluated: 2023-11-27. Review status: criteria provided, single submitter. Criteria: Invitae Variant Classification Sherloc (09022015). Collection method: clinical testing. Allele origin: germline.
Comment: This sequence change replaces serine, which is neutral and polar, with isoleucine, which is neutral and non-polar, at codon 707 of the MCM4 protein (p.Ser707Ile). This variant is present in population databases (rs753099559, gnomAD 0.007%). This variant has not been reported in the literature in individuals affected with MCM4-related conditions. ClinVar contains an entry for this variant (Variation ID: 1010007). Advanced modeling of protein sequence and biophysical properties (such as structural, functional, and spatial information, amino acid conservation, physicochemical variation, residue mobility, and thermodynamic stability) performed at Invitae indicates that this missense variant is not expected to disrupt MCM4 protein function with a negative predictive value of 80%. In summary, the available evidence is currently insufficient to determine the role of this variant in disease. Therefore, it has been classified as a Variant of Uncertain Significance.